The following is an entry in ClinVar:

ClinVar aggregate classification (germline): Likely pathogenic. Review status: reviewed by expert panel (3 of 4 stars). 9 submissions from 9 submitters: Likely pathogenic (1). 8 of the submissions do not count toward it. Last evaluated 2025-05-23.

Conditions:
BRCA1-related cancer predisposition. Identifiers: MedGen CN377757, MONDO:0700268.
Hereditary cancer-predisposing syndrome. Also called: Hereditary Cancer Syndrome; Neoplastic Syndromes, Hereditary; Hereditary neoplastic syndrome; Tumor predisposition. Identifiers: Orphanet 140162, MedGen C0027672, MeSH D009386, MONDO:0015356.
Breast-ovarian cancer, familial, susceptibility to, 1 (BROVCA1). Also called: BRCA1 Hereditary Breast and Ovarian Cancer; OVARIAN CANCER, SUSCEPTIBILITY TO. Identifiers: Orphanet 145, MedGen C2676676, MONDO:0011450, OMIM 604370. Disease mechanism: loss of function.
Hereditary breast ovarian cancer syndrome. Also called: Hereditary breast and/or ovarian cancer syndrome; Hereditary breast and ovarian cancer syndrome; Hereditary breast and ovarian cancer; Hereditary breast and ovarian cancer syndrome (HBOC); Breast and ovarian cancer; BRCA1- and BRCA2-Associated Hereditary Breast and Ovarian Cancer. Identifiers: Orphanet 145, MedGen C0677776, MeSH D061325, MONDO:0003582. Disease mechanism: loss of function.

Allele frequency attached by ClinVar (database versions not stated): gnomAD exomes below 0.00001; ExAC 0.00001.

Submissions (10):

ClinGen ENIGMA BRCA1 and BRCA2 Variant Curation Expert Panel, ClinGen
Classification: Likely pathogenic for BRCA1-related cancer predisposition. Last evaluated: 2025-05-23. Review status: reviewed by expert panel. Criteria: CSpec BRCA1/2ACMG Rules Specifications V1.2. Collection method: curation. Allele origin: germline. Inheritance: Autosomal dominant inheritance.
Comment: The c.5407-10G>A variant is an intronic variant occurring in intron 21 of the BRCA1 gene. This variant is absent from gnomAD v2.1 (exomes only, non-cancer subset, read depth ≥25) and gnomAD v3.1 (non-cancer subset, read depth ≥25) (PM2_Supporting met). This variant is reported to result in aberrant mRNA splicing. RTPCR data demonstrated that the variant impacts splicing by retaining 8 basepairs of the adjacent intron resulting in a frameshift. (PMIDs 31143303, 35167739). Appropriate code strength determined by comparison of results to PVS1 decision tree and assessment of mRNA splicing data (PVS1 (RNA) met). This variant is reported by one calibrated study to exhibit intermediate protein function between benign and pathogenic control variants (PMIDs 30209399) (PS3 and BS3 not met). In summary, this variant meets the criteria to be classified as a Likely pathogenic variant for BRCA1-related cancer predisposition based on the ACMG/AMP criteria applied as specified by the ENIGMA BRCA1/2 VCEP (PVS1 (RNA), PM2_Supporting).

Quest Diagnostics Nichols Institute San Juan Capistrano
Classification: Likely pathogenic. Last evaluated: 2025-05-19. Review status: criteria provided, single submitter. Criteria: Quest Diagnostics criteria. Collection method: clinical testing. Allele origin: unknown. Not counted in ClinVar's aggregate classification.
Comment: The BRCA1 c.5407-10G>A variant has been reported in the published literature in individuals with ovarian cancer (PMID: 39733403 (2024)) and breast cancer (PMID: 35167739 (2022)). Assessment of experimental evidence suggests this variant results in abnormal RNA splicing and results in premature termination of the protein (PMID: 35167739 (2022), 31143303 (2019)). The frequency of this variant in the general population (Genome Aggregation Database) is consistent with pathogenicity. Analysis of this variant using software algorithms for the prediction of the effect of nucleotide changes on splicing yielded predictions that this variant may affect proper BRCA1 mRNA splicing. Based on the available information, this variant is classified as likely pathogenic.

Ambry Genetics
Classification: Likely pathogenic for Hereditary cancer-predisposing syndrome. Last evaluated: 2024-06-06. Review status: criteria provided, single submitter. Criteria: Ambry Variant Classification Scheme 2023. Collection method: clinical testing. Allele origin: germline. Not counted in ClinVar's aggregate classification.
Comment: The c.5407-10G>A intronic variant results from a G to A substitution 10 nucleotides upstream from coding exon 21 in the BRCA1 gene. This nucleotide position is well conserved in available vertebrate species. In silico splice site analysis predicts that this alteration will weaken the native splice acceptor site and will result in the creation or strengthening of a novel splice acceptor site. RNA analyses have demonstrated this variant to result in an 8 nucleotide insertion resulting in frameshift and premature truncation of the final 27 amino acids in a region that is critical for protein function (Ambry internal data; Wangensteen T et al. Hered Cancer Clin Pract, 2019 May;17:14; Bozsik A et al. Cancer Res Treat, 2022 Oct;54:970-984). One functional study found that this nucleotide substitution has intermediate function in a high throughput genome editing haploid cell survival assay (Findlay GM et al. Nature, 2018 Oct;562:217-222). Based on the majority of available evidence to date, this variant is likely to be pathogenic.

Labcorp Genetics (formerly Invitae), Labcorp
Classification: Uncertain significance for Hereditary breast ovarian cancer syndrome. Last evaluated: 2024-04-15. Review status: criteria provided, single submitter. Criteria: Invitae Variant Classification Sherloc (09022015). Collection method: clinical testing. Allele origin: germline. Not counted in ClinVar's aggregate classification.
Comment: This sequence change falls in intron 21 of the BRCA1 gene. It does not directly change the encoded amino acid sequence of the BRCA1 protein. RNA analysis indicates that this variant induces altered splicing and likely disrupts the C-terminus of the protein. This variant is present in population databases (rs273901767, gnomAD 0.0009%). This variant has been observed in individual(s) with breast cancer (PMID: 34981296, 35167739). ClinVar contains an entry for this variant (Variation ID: 96950). Studies have shown that this variant results in activation of a cryptic splice site and introduces a new termination codon (PMID: 31143303, 35167739). However the mRNA is not expected to undergo nonsense-mediated decay. In summary, the available evidence is currently insufficient to determine the role of this variant in disease. Therefore, it has been classified as a Variant of Uncertain Significance.

Baylor Genetics
Classification: Pathogenic for Breast-ovarian cancer, familial, susceptibility to, 1. Last evaluated: 2021-07-29. Review status: criteria provided, single submitter. Criteria: ACMG Guidelines, 2015. Collection method: clinical testing. Allele origin: unknown. Not counted in ClinVar's aggregate classification.

Color Diagnostics, LLC DBA Color Health
Classification: Likely pathogenic for Hereditary cancer-predisposing syndrome. Last evaluated: 2020-05-19. Review status: criteria provided, single submitter. Criteria: ACMG Guidelines, 2015. Collection method: clinical testing. Allele origin: germline. Not counted in ClinVar's aggregate classification.
Comment: This variant causes a G to A nucleotide substitution at the -10 position of intron 21 of the BRCA1 gene. This variant has been reported in an individual suspected of having hereditary breast and ovarian cancer syndrome (PMID: 31143303). A splicing assay performed with RNA derived from this individual has shown that the variant abolishes the native intron 22 splice acceptor site and activates a cryptic acceptor site, which causes the retention of 8 bases of intron 22 in the mutant transcript and premature protein translation stop signal (r.5406_5407ins5407-8_5407â€šÃ„Ã¬1; p.Val1804Serfs*33) (PMID: 31143303). There was no normal transcript produced from the variant allele. This variant has been identified in 1/251448 chromosomes in the general population by the Genome Aggregation Database (gnomAD). Loss of BRCA1 function is a known mechanism of disease. Based on the available evidence, this variant is classified as Likely Pathogenic.

Molecular Endocrinology Laboratory, Christian Medical College
Classification: Uncertain significance for Breast-ovarian cancer, familial, susceptibility to, 1. Review status: criteria provided, single submitter. Criteria: ACMG Guidelines, 2015. Collection method: clinical testing. Allele origin: germline. Affected: yes. Not counted in ClinVar's aggregate classification.

Breast Cancer Information Core (BIC) (BRCA1)
Classification: Uncertain significance for Breast-ovarian cancer, familial 1. Last evaluated: 2010-12-17. Review status: no assertion criteria provided. Collection method: clinical testing. Allele origin: germline. Affected: yes. Observed: 1 variant allele. Not counted in ClinVar's aggregate classification.

Sharing Clinical Reports Project (SCRP)
Classification: Uncertain significance for Breast-ovarian cancer, familial 1. Last evaluated: 2009-02-07. Review status: no assertion criteria provided. Collection method: clinical testing. Allele origin: germline. Not counted in ClinVar's aggregate classification.

Brotman Baty Institute, University of Washington
No classification provided (evidence only). Condition: Breast-ovarian cancer, familial 1. Review status: no classification provided. Collection method: in vitro. Allele origin: not applicable. Functional consequence: function_uncertain_variant. Not counted in ClinVar's aggregate classification.
ClinVar note: "not provided" was previously submitted as the classification for the variant. However, the classification appeared to be based only on an observation of functional data so it was converted to no classification on 2025-07-30.

Literature cited by the submitters: PubMed 31143303 (cited by 3 submitters); PubMed 35167739 (cited by 3 submitters); PubMed 34981296 (cited by Quest Diagnostics Nichols Institute San Juan Capistrano and Labcorp Genetics (formerly Invitae), Labcorp); PubMed 30209399 (cited by Quest Diagnostics Nichols Institute San Juan Capistrano and Ambry Genetics); PubMed 39733403 (cited by Quest Diagnostics Nichols Institute San Juan Capistrano).

NM_007294.4(BRCA1):c.5407-10G>A

Gene: BRCA1 (BRCA1 DNA repair associated; minus strand). Cytogenetic location: 17q21.31.
Variant type: single nucleotide variant.
Coding change: c.5407-10G>A on transcript NM_007294.4 (MANE Select); 10 bases into the intron before coding-DNA position 5407, G replaced by A.
Molecular consequence: intron variant.
Genome position (GRCh38, 1-based): chr17:43,047,713, C>T on the plus strand (G>A on the coding strand, the complement: BRCA1 is on the minus strand). VCF-style: chr17-43047713-C-T. GRCh37 (hg19) VCF-style: chr17-41199730-C-T.
Other names: IVS22-10G>A; c.5068-10G>A (NM_001407956.1, NM_001407957.1, NM_001407958.1); c.5194-10G>A (NM_001407897.1, NM_001407908.1, NM_001407898.1 and 12 more transcripts); c.5074-10G>A (NM_001407947.1, NM_001407949.1, NM_001407946.1 and 1 more transcripts); c.1171-10G>A (NM_001408514.1); c.1885-10G>A (NM_001408485.1, NM_001408483.1, NM_001408491.1 and 5 more transcripts); c.5197-10G>A (NM_001407882.1, NM_001407885.1, NM_001407886.1 and 5 more transcripts); c.1969-10G>A (NM_001408447.1, NM_001408446.1, NM_001408448.1 and 2 more transcripts); and 84 more.
Identifiers: ClinVar variation 96950 (VCV000096950.18), dbSNP rs273901767, ClinGen allele CA003567.